The following is an entry in ClinVar:

NM_001367949.2(FAT3):c.12399C>T (p.Cys4133=)

Gene: FAT3 (FAT atypical cadherin 3; plus strand). Cytogenetic location: 11q14.3.
Variant type: single nucleotide variant.
Coding change: c.12399C>T on transcript NM_001367949.2 (MANE Select); coding-DNA position 12399, C replaced by T.
Protein change: p.Cys4133=; no amino-acid change (cysteine 4133 retained).
Molecular consequence: synonymous variant.
Genome position (GRCh38, 1-based): chr11:92,882,855, C>T. VCF-style: chr11-92882855-C-T. GRCh37 (hg19) VCF-style: chr11-92616021-C-T.
Other names: c.12399C>T, p.Cys4133= (NM_001008781.3).
Identifiers: ClinVar variation 714050 (VCV000714050.6), dbSNP rs80074298, ClinGen allele CA6228551.

ClinVar aggregate classification (germline): Benign. Review status: criteria provided, multiple submitters, no conflicts (2 of 4 stars). 3 submissions from 3 submitters: Benign (2). 1 of the submissions does not count toward it. Last evaluated 2017-08-08.

Conditions:
FAT3-related disorder. Also called: FAT3-related condition.

Allele frequency attached by ClinVar (database versions not stated): gnomAD exomes 0.00076 and 0.00179; ExAC 0.00239; 1000 Genomes Project 0.00699; gnomAD 0.00752 and 0.00816; ESP Exome Variant Server 0.00770; 1000 Genomes Project 30x 0.00781; TOPMed 0.00838.
gnomAD v4.1: 2,285 of 1,611,842 alleles (0.14%); highest among the groups gnomAD compares: African/African-American, 2.8%; 30 homozygotes.

Submissions (3):

Labcorp Genetics (formerly Invitae), Labcorp
Classification: Benign. Last evaluated: 2017-08-08. Review status: criteria provided, single submitter. Criteria: Invitae Variant Classification Sherloc (09022015). Collection method: clinical testing. Allele origin: germline.

Breakthrough Genomics
Classification: Benign. Review status: criteria provided, single submitter. Criteria: ACMG Guidelines, 2015. Collection method: not provided. Allele origin: germline. Inheritance: Unknown mechanism. Affected: yes.

PreventionGenetics, part of Exact Sciences
Classification: Benign for FAT3-related condition. Last evaluated: 2019-05-28. Review status: no assertion criteria provided. Collection method: clinical testing. Allele origin: germline. Not counted in ClinVar's aggregate classification.
Comment: This variant is classified as benign based on ACMG/AMP sequence variant interpretation guidelines (Richards et al. 2015 PMID: 25741868, with internal and published modifications).